The following is an entry in ClinVar:

NM_001080517.3(SETD5):c.2922C>G (p.Asp974Glu)

Gene: SETD5 (SET domain containing 5; plus strand). Cytogenetic location: 3p25.3.
Variant type: single nucleotide variant.
Coding change: c.2922C>G on transcript NM_001080517.3 (MANE Select); coding-DNA position 2922, C replaced by G.
Protein change: p.Asp974Glu; replaces aspartic acid 974 with glutamic acid.
Molecular consequence: missense variant.
Genome position (GRCh38, 1-based): chr3:9,470,656, C>G. VCF-style: chr3-9470656-C-G. GRCh37 (hg19) VCF-style: chr3-9512340-C-G.
Other names: c.2628C>G, p.Asp876Glu (NM_001292043.2, NM_001349451.2); short protein forms D876E, D974E.
Identifiers: ClinVar variation 3359332 (VCV003359332.1).

ClinVar aggregate classification (germline): Uncertain significance (1 of 4 stars; one submission).

Submission:

GeneDx
Classification: Uncertain significance. Last evaluated: 2023-06-01. Review status: criteria provided, single submitter. Criteria: GeneDx Variant Classification Process June 2021. Collection method: clinical testing. Allele origin: germline. Affected: yes.
Comment: Not observed at significant frequency in large population cohorts (gnomAD); In silico analysis supports that this missense variant does not alter protein structure/function; Has not been previously published as pathogenic or benign to our knowledge